The following is an entry in ClinVar:

NM_000222.3(KIT):c.1460G>A (p.Gly487Asp)

Gene: KIT (KIT proto-oncogene, receptor tyrosine kinase; plus strand). Cytogenetic location: 4q12.
Variant type: single nucleotide variant.
Coding change: c.1460G>A on transcript NM_000222.3 (MANE Select); coding-DNA position 1460, G replaced by A.
Protein change: p.Gly487Asp; replaces glycine 487 with aspartic acid.
Molecular consequence: missense variant.
Genome position (GRCh38, 1-based): chr4:54,725,970, G>A. VCF-style: chr4-54725970-G-A. GRCh37 (hg19) VCF-style: chr4-55592136-G-A.
Other names: c.1460G>A, p.Gly487Asp (NM_001093772.2, NM_001385285.1, NM_001385286.1); c.1463G>A, p.Gly488Asp (NM_001385284.1, NM_001385288.1, NM_001385290.1 and 1 more transcripts); short protein forms G487D, G488D.
Identifiers: ClinVar variation 2758810 (VCV002758810.3), dbSNP rs1458834829, ClinGen allele CA356906447.
Genomic context (GRCh38, chr4:54,725,970, plus strand): 5'-CACCGTTTGGAAAGCTAGTGGTTCAGAGTTCTATAGATTCTAGTGCATTCAAGCACAATG[G>A]CACGGTTGAATGTAAGGCTTACAACGATGTGGGCAAGACTTCTGCCTATTTTAACTTTGC-3'
Protein context (NP_000213.1, residues 477-497): SIDSSAFKHN[Gly487Asp]TVECKAYNDV

ClinVar aggregate classification (germline): Uncertain significance (1 of 4 stars; one submission).

Conditions:
Gastrointestinal stromal tumor. Also called: Gastrointestinal stromal tumor, somatic; Gastrointestinal stroma tumor. Identifiers: Orphanet 44890, MedGen C0238198, MeSH D046152, MONDO:0011719, OMIM 606764, HP:0100723.

Submission:

Labcorp Genetics (formerly Invitae), Labcorp
Classification: Uncertain significance for Gastrointestinal stromal tumor. Last evaluated: 2023-09-08. Review status: criteria provided, single submitter. Criteria: Invitae Variant Classification Sherloc (09022015). Collection method: clinical testing. Allele origin: germline.
Comment: This variant is not present in population databases (gnomAD no frequency). This variant has not been reported in the literature in individuals affected with KIT-related conditions. An algorithm developed to predict the effect of missense changes on protein structure and function (PolyPhen-2) suggests that this variant is likely to be disruptive. In summary, the available evidence is currently insufficient to determine the role of this variant in disease. Therefore, it has been classified as a Variant of Uncertain Significance. This sequence change replaces glycine, which is neutral and non-polar, with aspartic acid, which is acidic and polar, at codon 487 of the KIT protein (p.Gly487Asp).